The following is an entry in ClinVar:

NM_000038.6(APC):c.3460G>T (p.Glu1154Ter)

Gene: APC (APC regulator of Wnt signaling pathway; plus strand). Cytogenetic location: 5q22.2.
Variant type: single nucleotide variant.
Coding change: c.3460G>T on transcript NM_000038.6 (MANE Select); coding-DNA position 3460, G replaced by T.
Protein change: p.Glu1154Ter; replaces glutamic acid 1154 with a stop codon.
Molecular consequence: nonsense.
Genome position (GRCh38, 1-based): chr5:112,839,054, G>T. VCF-style: chr5-112839054-G-T. GRCh37 (hg19) VCF-style: chr5-112174751-G-T.
Other names: c.3460G>T, p.Glu1154Ter (NM_001127510.3, NM_001354895.2, NM_001407450.1); c.3406G>T, p.Glu1136Ter (NM_001127511.3); c.3514G>T, p.Glu1172Ter (NM_001354896.2, NM_001407447.1, NM_001407448.1 and 1 more transcripts); c.3490G>T, p.Glu1164Ter (NM_001354897.2); c.3385G>T, p.Glu1129Ter (NM_001354898.2); c.3376G>T, p.Glu1126Ter (NM_001354899.2); c.3337G>T, p.Glu1113Ter (NM_001354900.2); c.3283G>T, p.Glu1095Ter (NM_001354901.2, NM_001407453.1); and 11 more; short protein forms E1136*, E1144*, E1147*, E1182*, E871*, E1028*, E1113*, E1126*.
Identifiers: ClinVar variation 1731643 (VCV001731643.5), dbSNP rs2149892395, ClinGen allele CA16028925.

ClinVar aggregate classification (germline): Pathogenic. Review status: criteria provided, multiple submitters, no conflicts (2 of 4 stars). 2 submissions from 2 submitters: Pathogenic (2). Last evaluated 2024-08-21.

Conditions:
Hereditary cancer-predisposing syndrome. Also called: Neoplastic Syndromes, Hereditary; Tumor predisposition; Hereditary Cancer Syndrome; Hereditary neoplastic syndrome. Identifiers: Orphanet 140162, MedGen C0027672, MeSH D009386, MONDO:0015356.
Familial adenomatous polyposis 1 (FAP1). Also called: FAMILIAL ADENOMATOUS POLYPOSIS 1, ATTENUATED; POLYPOSIS, ADENOMATOUS INTESTINAL. Identifiers: MedGen C2713442, MONDO:0021056, OMIM 175100. Disease mechanism: loss of function.

Submissions (2):

Ambry Genetics
Classification: Pathogenic for Hereditary cancer-predisposing syndrome. Last evaluated: 2024-08-21. Review status: criteria provided, single submitter. Criteria: Ambry Variant Classification Scheme 2023. Collection method: clinical testing. Allele origin: germline.
Comment: The p.E1154* pathogenic mutation (also known as c.3460G>T) located in coding exon 15 of the APC gene, results from a G to T substitution at nucleotide position 3460. This changes the amino acid from a glutamic acid to a stop codon within coding exon 15. This alteration occurs at the 3' terminus of theAPC gene, is not expected to trigger nonsense-mediated mRNA decay, and only impacts the last 1,690 amino acids of the protein. However, premature stop codons are typically deleterious in nature, and a significant portion of the protein is affected (Ambry internal data).This variant was previously described in an individual with familial adenomatous polyposis (Lagarde A et al. J. Med. Genet. 2010 Oct; 47(10):721-2.). This variant is considered to be rare based on population cohorts in the Genome Aggregation Database (gnomAD). Based on the supporting evidence, this variant is interpreted as a disease-causing mutation.

Myriad Genetics, Inc.
Classification: Pathogenic for Familial adenomatous polyposis 1. Last evaluated: 2023-05-08. Review status: criteria provided, single submitter. Criteria: Myriad Autosomal Dominant, Autosomal Recessive and X-Linked Classification Criteria (2023). Collection method: clinical testing. Allele origin: unknown.
Comment: This variant is considered pathogenic. This variant creates a termination codon and is predicted to result in premature protein truncation.

Literature cited by the submitters: PubMed 20685668 (cited by Ambry Genetics).